The following is an entry in ClinVar:

ClinVar aggregate classification (germline): Uncertain significance. Review status: criteria provided, multiple submitters, no conflicts (2 of 4 stars). 3 submissions from 2 submitters: Uncertain significance (3). Last evaluated 2023-10-30.

Conditions:
Holoprosencephaly 10. Identifiers: MedGen C2675857, MONDO:0976262, OMIM 621143.
Esophageal atresia. Also called: Esophageal atresia (disease). Identifiers: MedGen C0014850, MeSH D004933, MONDO:0001044, HP:0002032.

Allele frequency attached by ClinVar (database versions not stated): gnomAD 0.00004; gnomAD exomes below 0.00001; TOPMed 0.00002.
gnomAD v4.1: 12 of 1,613,448 alleles (0.00074%); highest among the groups gnomAD compares: African/African-American, 0.0013%; no homozygotes.

Submissions (3):

Ambry Genetics
Classification: Uncertain significance. Last evaluated: 2023-10-30. Review status: criteria provided, single submitter. Criteria: Ambry Variant Classification Scheme 2023. Collection method: clinical testing. Allele origin: germline.

Daryl Scott Lab, Baylor College of Medicine
Classification: Uncertain significance for Esophageal atresia. Last evaluated: 2022-08-22. Review status: criteria provided, single submitter. Criteria: ACMG Guidelines, 2015. Collection method: clinical testing. Allele origin: unknown. Observed: 1 variant allele, 1 heterozygote.

Daryl Scott Lab, Baylor College of Medicine
Classification: Uncertain significance for Holoprosencephaly 10. Review status: criteria provided, single submitter. Criteria: ACMG Guidelines, 2015. Collection method: clinical testing. Allele origin: unknown. Affected: yes. Observed: 1 heterozygote.
Comment: No criteria met

Literature cited by the submitters: PubMed 36135330 (cited by Daryl Scott Lab, Baylor College of Medicine).

NM_001377229.1(DISP1):c.4054C>T (p.Pro1352Ser)

Gene: DISP1 (dispatched RND transporter family member 1; plus strand). Cytogenetic location: 1q41.
Variant type: single nucleotide variant.
Coding change: c.4054C>T on transcript NM_001377229.1 (MANE Select); coding-DNA position 4054, C replaced by T.
Protein change: p.Pro1352Ser; replaces proline 1352 with serine.
Molecular consequence: missense variant.
Genome position (GRCh38, 1-based): chr1:223,005,451, C>T. VCF-style: chr1-223005451-C-T. GRCh37 (hg19) VCF-style: chr1-223178793-C-T.
Other names: c.3325C>T, p.Pro1109Ser (NM_001350630.2); c.4054C>T, p.Pro1352Ser (NM_001369594.1, NM_001377228.1, NM_032890.5); c.4054C>T (NM_032890.3); short protein forms P1109S, P1352S.
Identifiers: ClinVar variation 1702962 (VCV001702962.3), dbSNP rs952023183, ClinGen allele CA38410270.
Genomic context (GRCh38, chr1:223,005,451, plus strand): 5'-ATCCACCACTGTCCCTGCCTGCAGGGCAGAGTAAAGCCAGCCGGAATGCAGAATTCTCTG[C>T]CTAGGAATTTTTTCCTCCACCCAGTGCAGCACATTCAGGCCCAAGAAAAAATTGGCAAGA-3'
Protein context (NP_001364158.1, residues 1342-1362): VKPAGMQNSL[Pro1352Ser]RNFFLHPVQH